The following is an entry in ClinVar:

ClinVar aggregate classification (germline): Likely pathogenic (1 of 4 stars; one submission).

Conditions:
Developmental and epileptic encephalopathy, 25 (DEE25). Also called: Epileptic encephalopathy, early infantile, 25; Developmental and epileptic encephalopathy 25, with amelogenesis imperfecta; Epileptic encephalopathy, early infantile, 25, with amelogenesis imperfecta. Identifiers: Orphanet 442835, MedGen C4014621, MONDO:0014392, OMIM 615905.

Submission:

Labcorp Genetics (formerly Invitae), Labcorp
Classification: Likely pathogenic for Developmental and epileptic encephalopathy, 25. Last evaluated: 2024-10-30. Review status: criteria provided, single submitter. Criteria: Invitae Variant Classification Sherloc (09022015). Collection method: clinical testing. Allele origin: germline.
Comment: This sequence change affects a donor splice site in intron 8 of the SLC13A5 gene. It is expected to disrupt RNA splicing. Variants that disrupt the donor or acceptor splice site typically lead to a loss of protein function (PMID: 16199547), and loss-of-function variants in SLC13A5 are known to be pathogenic (PMID: 24995870, 26384929). This variant is not present in population databases (gnomAD no frequency). This variant has not been reported in the literature in individuals affected with SLC13A5-related conditions. ClinVar contains an entry for this variant (Variation ID: 475191). Algorithms developed to predict the effect of sequence changes on RNA splicing suggest that this variant may disrupt the consensus splice site. In summary, the currently available evidence indicates that the variant is pathogenic, but additional data are needed to prove that conclusively. Therefore, this variant has been classified as Likely Pathogenic.

Literature cited by the submitters: PubMed 16199547; PubMed 24995870; PubMed 26384929.

NM_177550.5(SLC13A5):c.1156+1G>A

Gene: SLC13A5 (solute carrier family 13 member 5; minus strand). Cytogenetic location: 17p13.1.
Variant type: single nucleotide variant.
Coding change: c.1156+1G>A on transcript NM_177550.5 (MANE Select); the canonical splice donor site of the intron after coding-DNA position 1156, G replaced by A.
Molecular consequence: splice donor variant.
Genome position (GRCh38, 1-based): chr17:6,694,096, C>T on the plus strand (G>A on the coding strand, the complement: SLC13A5 is on the minus strand). VCF-style: chr17-6694096-C-T. GRCh37 (hg19) VCF-style: chr17-6597415-C-T.
Other names: c.1027+1G>A (NM_001284510.2); c.1105+1G>A (NM_001284509.2); c.1156+1G>A (NM_001143838.3).
Identifiers: ClinVar variation 475191 (VCV000475191.8), dbSNP rs1555541483, ClinGen allele CA397742375.
Genomic context (GRCh38, chr17:6,694,096, plus strand): 5'-GTGACCCTTTGGTTCCAGGGCTCCAGTCCTGATGACTGGGCGATCAGAACAGGAGACTTA[C>T]CTTCCTCAGTCTGGCTGCGGAAGTTAAACTTGGGCTTCTGTGAAGGCACAATGAATAGCA-3'